The following is an entry in ClinVar:

ClinVar aggregate classification (germline): Uncertain significance. Review status: criteria provided, multiple submitters, no conflicts (2 of 4 stars). 3 submissions from 3 submitters: Uncertain significance (3). Last evaluated 2026-08-23.

Conditions:
Inborn genetic diseases. Identifiers: MedGen C0950123, MeSH D030342.

Allele frequency attached by ClinVar (database versions not stated): gnomAD 0.00002; gnomAD exomes 0.00002.
gnomAD v4.1: 25 of 1,592,792 alleles (0.0016%); highest among the groups gnomAD compares: Admixed American, 0.0053%; no homozygotes.

Submissions (3):

Ambry Genetics
Classification: Uncertain significance for Inborn genetic diseases. Last evaluated: 2026-08-23. Review status: criteria provided, single submitter. Criteria: Ambry Variant Classification Scheme 2023. Collection method: clinical testing. Allele origin: germline.

Labcorp Genetics (formerly Invitae), Labcorp
Classification: Uncertain significance. Last evaluated: 2021-09-24. Review status: criteria provided, single submitter. Criteria: Invitae Variant Classification Sherloc (09022015). Collection method: clinical testing. Allele origin: germline.
Comment: This sequence change replaces serine with asparagine at codon 6178 of the ADGRV1 protein (p.Ser6178Asn). The serine residue is weakly conserved and there is a small physicochemical difference between serine and asparagine. This variant is not present in population databases (ExAC no frequency). This variant has not been reported in the literature in individuals with ADGRV1-related conditions. Algorithms developed to predict the effect of missense changes on protein structure and function are either unavailable or do not agree on the potential impact of this missense change (SIFT: "Tolerated"; PolyPhen-2: "Possibly Damaging"; Align-GVGD: "Class C0"). In summary, the available evidence is currently insufficient to determine the role of this variant in disease. Therefore, it has been classified as a Variant of Uncertain Significance.

GeneDx
Classification: Uncertain significance. Last evaluated: 2019-04-15. Review status: criteria provided, single submitter. Criteria: GeneDx Variant Classification Process June 2021. Collection method: clinical testing. Allele origin: germline. Affected: yes.
Comment: Not observed in large population cohorts (Lek et al., 2016); Has not been previously published as pathogenic or benign to our knowledge; In-silico analysis, which includes splice predictors and evolutionary conservation, is inconclusive as to whether the variant alters gene splicing. In the absence of RNA/functional studies, the actual effect of this sequence change is unknown.

NM_032119.4(ADGRV1):c.18533G>A (p.Ser6178Asn)

Gene: ADGRV1 (adhesion G protein-coupled receptor V1; plus strand). Cytogenetic location: 5q14.3.
Variant type: single nucleotide variant.
Coding change: c.18533G>A on transcript NM_032119.4 (MANE Select); coding-DNA position 18533, G replaced by A.
Protein change: p.Ser6178Asn; replaces serine 6178 with asparagine.
Molecular consequence: missense variant. On other transcripts: non-coding transcript variant (1).
Genome position (GRCh38, 1-based): chr5:91,150,130, G>A. VCF-style: chr5-91150130-G-A. GRCh37 (hg19) VCF-style: chr5-90445947-G-A.
Other names: short protein forms S6178N.
Identifiers: ClinVar variation 1315654 (VCV001315654.7), dbSNP rs1033424320, ClinGen allele CA123050776.